The following is an entry in ClinVar:

ClinVar aggregate classification (germline): Conflicting classifications of pathogenicity. Review status: criteria provided, conflicting classifications (1 of 4 stars). 7 submissions from 7 submitters: Uncertain significance (3); Likely benign (4). Last evaluated 2025-12-29.

Conditions:
Jeune thoracic dystrophy. Also called: Short-rib thoracic dysplasia; Jeune syndrome; Infantile thoracic dystrophy; Thoracic pelvic phalangeal dystrophy; Jeune's syndrome; Chondroectodermal dysplasia-like syndrome. Identifiers: Orphanet 474, MedGen C0265275, MONDO:0018770.
DYNC2H1-related disorder. Also called: DYNC2H1-related disorders; DYNC2H1-related condition. Identifiers: MedGen CN378770.
Inborn genetic diseases. Identifiers: MedGen C0950123, MeSH D030342.
Asphyxiating thoracic dystrophy 3. Also called: Short rib polydactyly syndrome 2B; SHORT-RIB THORACIC DYSPLASIA 3 WITH OR WITHOUT POLYDACTYLY; POLYDACTYLY WITH NEONATAL CHONDRODYSTROPHY, TYPE I; SHORT-RIB THORACIC DYSPLASIA 3/6 WITH POLYDACTYLY, DIGENIC; Saldino-Noonan Syndrome. Identifiers: Orphanet 474, Orphanet 93269, Orphanet 93270, Orphanet 93271, MedGen C0036069, MONDO:0013127, OMIM 613091.

Allele frequency attached by ClinVar (database versions not stated): gnomAD exomes 0.00014; ExAC 0.00030; ESP Exome Variant Server 0.00034; TOPMed 0.00045; gnomAD 0.00062 and 0.00064; 1000 Genomes Project 0.00120; 1000 Genomes Project 30x 0.00172.
gnomAD v4.1: 183 of 1,596,590 alleles (0.011%); highest among the groups gnomAD compares: African/African-American, 0.22%; no homozygotes.

Submissions (7):

Labcorp Genetics (formerly Invitae), Labcorp
Classification: Likely benign for Jeune thoracic dystrophy. Last evaluated: 2025-12-29. Review status: criteria provided, single submitter. Criteria: Invitae Variant Classification Sherloc (09022015). Collection method: clinical testing. Allele origin: germline.

PreventionGenetics, part of Exact Sciences
Classification: Likely benign for DYNC2H1-related condition. Last evaluated: 2025-10-12. Review status: criteria provided, single submitter. Criteria: ACMG Guidelines, 2015. Collection method: clinical testing. Allele origin: germline.
Comment: This variant is classified as likely benign based on ACMG/AMP sequence variant interpretation guidelines (Richards et al. 2015 PMID: 25741868, with internal and published modifications).

CeGaT Center for Human Genetics Tuebingen
Classification: Likely benign. Last evaluated: 2025-07-01. Review status: criteria provided, single submitter. Criteria: CeGaT Center For Human Genetics Tuebingen Variant Classification Criteria Version 2. Collection method: clinical testing. Allele origin: germline. Affected: yes. Observed: 1 variant allele.
Comment: DYNC2H1: BP4

Ambry Genetics
Classification: Uncertain significance for Inborn genetic diseases. Last evaluated: 2025-05-14. Review status: criteria provided, single submitter. Criteria: Ambry Variant Classification Scheme 2023. Collection method: clinical testing. Allele origin: germline.

GeneDx
Classification: Uncertain significance. Last evaluated: 2024-09-05. Review status: criteria provided, single submitter. Criteria: GeneDx Variant Classification Process June 2021. Collection method: clinical testing. Allele origin: germline. Affected: yes.
Comment: In silico analysis indicates that this missense variant does not alter protein structure/function; Has not been previously published as pathogenic or benign to our knowledge

Blueprint Genetics
Classification: Likely benign. Last evaluated: 2024-03-26. Review status: criteria provided, single submitter. Criteria: ACMG Guidelines, 2015. Collection method: clinical testing. Allele origin: germline.

ARUP Laboratories, Molecular Genetics and Genomics, ARUP Laboratories
Classification: Uncertain significance for Asphyxiating thoracic dystrophy 3. Last evaluated: 2020-04-02. Review status: criteria provided, single submitter. Criteria: ARUP Molecular Germline Variant Investigation Process. Collection method: clinical testing. Allele origin: germline.
Comment: The DYNC2H1 c.476T>C; p.Leu159Ser variant (rs201510850), to our knowledge, is not reported in the medical literature but is reported in the Leiden open variation database (see link). This variant is found in the African population with an allele frequency of 0.22% (49/22318 alleles) in the Genome Aggregation Database. The leucine at codon 159 is moderately conserved, and computational analyses (SIFT, PolyPhen-2) predict that this variant is tolerated. Due to limited information, the clinical significance of the p.Leu159Ser variant is uncertain at this time. References: Link to Leiden open variation database

NM_001377.3(DYNC2H1):c.476T>C (p.Leu159Ser)

Gene: DYNC2H1 (dynein cytoplasmic 2 heavy chain 1; plus strand). Cytogenetic location: 11q22.3.
Variant type: single nucleotide variant.
Coding change: c.476T>C on transcript NM_001377.3 (MANE Select); coding-DNA position 476, T replaced by C.
Protein change: p.Leu159Ser; replaces leucine 159 with serine.
Molecular consequence: missense variant.
Genome position (GRCh38, 1-based): chr11:103,114,212, T>C. VCF-style: chr11-103114212-T-C. GRCh37 (hg19) VCF-style: chr11-102984941-T-C.
Other names: c.476T>C (NM_001080463.1); c.476T>C, p.Leu159Ser (NM_001080463.2); short protein forms L159S.
Identifiers: ClinVar variation 993931 (VCV000993931.24), dbSNP rs201510850, ClinGen allele CA6252495.